The following is an entry in ClinVar:

NM_031407.7(HUWE1):c.10558G>C (p.Ala3520Pro)

Gene: HUWE1 (HECT, UBA and WWE domain containing E3 ubiquitin protein ligase 1; minus strand). Cytogenetic location: Xp11.22.
Variant type: single nucleotide variant.
Coding change: c.10558G>C on transcript NM_031407.7 (MANE Select); coding-DNA position 10558, G replaced by C.
Protein change: p.Ala3520Pro; replaces alanine 3520 with proline.
Molecular consequence: missense variant.
Genome position (GRCh38, 1-based): chrX:53,547,751, C>G on the plus strand (G>C on the coding strand, the complement: HUWE1 is on the minus strand). VCF-style: chrX-53547751-C-G. GRCh37 (hg19) VCF-style: chrX-53574712-C-G.
Other names: c.10555G>C, p.Ala3519Pro (NM_001441048.1, NM_001441051.1, NM_001441053.1 and 2 more transcripts); c.10558G>C, p.Ala3520Pro (NM_001441049.1, NM_001441054.1, NM_001441057.1); c.10579G>C, p.Ala3527Pro (NM_001441050.1, NM_001441055.1); c.10156G>C, p.Ala3386Pro (NM_001441052.1); short protein forms A3386P, A3519P, A3520P, A3527P.
Identifiers: ClinVar variation 4808075 (VCV004808075.1).
Genomic context (GRCh38, chrX:53,547,751, plus strand): 5'-CAGTCGTGGGGGTAGTCACTGTGGTCGAAGCAGCTACGACAATGGTGGAAATAGCCGTGG[C>G]AGCAACCAGGGCTGGAGCAGAAGTGACAGGGGTGGGTGCAGTAGGGGGTGTGGGCGTGGT-3'
Protein context (NP_113584.3, residues 3510-3530): PVTSAPALVA[Ala3520Pro]TAISTIVVAA

ClinVar aggregate classification (germline): Uncertain significance (1 of 4 stars; one submission).

Submission:

Labcorp Genetics (formerly Invitae), Labcorp
Classification: Uncertain significance. Last evaluated: 2025-12-08. Review status: criteria provided, single submitter. Criteria: Invitae Variant Classification Sherloc (09022015). Collection method: clinical testing. Allele origin: germline.
Comment: This sequence change replaces alanine, which is neutral and non-polar, with proline, which is neutral and non-polar, at codon 3520 of the HUWE1 protein (p.Ala3520Pro). This variant is not present in population databases (gnomAD no frequency). This variant has not been reported in the literature in individuals affected with HUWE1-related conditions. Invitae Evidence Modeling of protein sequence and biophysical properties (such as structural, functional, and spatial information, amino acid conservation, physicochemical variation, residue mobility, and thermodynamic stability) indicates that this missense variant is not expected to disrupt HUWE1 protein function with a negative predictive value of 95%. In summary, the available evidence is currently insufficient to determine the role of this variant in disease. Therefore, it has been classified as a Variant of Uncertain Significance.